The following is an entry in ClinVar:

NM_144687.4(NLRP12):c.1929del (p.Lys644fs)

Gene: NLRP12 (NLR family pyrin domain containing 12; minus strand). Cytogenetic location: 19q13.42.
Variant type: Deletion.
Coding change: c.1929del on transcript NM_144687.4 (MANE Select); coding-DNA position 1929, one base deleted (C; older notation c.1929delC).
Protein change: p.Lys644fs; shifts the reading frame from lysine 644.
Molecular consequence: frameshift variant.
Genome position (GRCh38, 1-based): chr19:53,809,730, G deleted on the plus strand (C on the coding strand, the reverse complement: NLRP12 is on the minus strand); the first of 2 consecutive G bases (chr19:53,809,730-53,809,731); deleting either gives the same sequence. VCF-style (leftmost placement, unchanged base first): chr19-53809729-TG-T. GRCh37 (hg19) VCF-style: chr19-54312983-TG-T.
Other names: c.1929del, p.Lys644fs (NM_001277126.2, NM_001277129.1); short protein forms K644fs.
Identifiers: ClinVar variation 2982603 (VCV002982603.3), dbSNP rs2092028479, ClinGen allele CA2740096968.

ClinVar aggregate classification (germline): Uncertain significance (1 of 4 stars; one submission).

Conditions:
Familial cold autoinflammatory syndrome 2 (FCAS2). Identifiers: Orphanet 247868, MedGen C2673198, MONDO:0012724, OMIM 611762.

Submission:

Labcorp Genetics (formerly Invitae), Labcorp
Classification: Uncertain significance for Familial cold autoinflammatory syndrome 2. Last evaluated: 2023-10-26. Review status: criteria provided, single submitter. Criteria: Invitae Variant Classification Sherloc (09022015). Collection method: clinical testing. Allele origin: germline.
Comment: This sequence change creates a premature translational stop signal (p.Lys644Argfs*11) in the NLRP12 gene. It is expected to result in an absent or disrupted protein product. However, the current clinical and genetic evidence is not sufficient to establish whether loss-of-function variants in NLRP12 cause disease. This variant is not present in population databases (gnomAD no frequency). This variant has not been reported in the literature in individuals affected with NLRP12-related conditions. In summary, the available evidence is currently insufficient to determine the role of this variant in disease. Therefore, it has been classified as a Variant of Uncertain Significance.